The following is an entry in ClinVar:

NM_198859.4(PRICKLE2):c.39C>G (p.Ile13Met)

Genes: PRICKLE2 (prickle planar cell polarity protein 2; minus strand), PRICKLE2-AS3 (PRICKLE2 antisense RNA 3; plus strand). Cytogenetic location: 3p14.1.
Variant type: single nucleotide variant.
Coding change: c.39C>G on transcript NM_198859.4 (MANE Select); coding-DNA position 39, C replaced by G.
Protein change: p.Ile13Met; replaces isoleucine 13 with methionine.
Molecular consequence: missense variant. On other transcripts: non-coding transcript variant (1).
Genome position (GRCh38, 1-based): chr3:64,198,889, G>C on the plus strand (C>G on the coding strand, the complement: PRICKLE2 is on the minus strand). VCF-style: chr3-64198889-G-C. GRCh37 (hg19) VCF-style: chr3-64184565-G-C.
Other names: c.39C>G, p.Ile13Met (NM_001370528.1); short protein forms I13M.
Identifiers: ClinVar variation 2129755 (VCV002129755.4), dbSNP rs750551862, ClinGen allele CA353541126.
Genomic context (GRCh38, chr3:64,198,889, plus strand): 5'-AGCACAGCCTGAGTCATCATCTGAGGTCGAGTTCCTCTGAAAGTCAAACATGAGTTTGCT[G>C]ATGGTCTTCTCCATCTCCAGCGGCATCACTGTCACCATGTGCTCCTCCTGGGGACACTTG-3'
Protein context (NP_942559.1, residues 3-23): TVMPLEMEKT[Ile13Met]SKLMFDFQRN

ClinVar aggregate classification (germline): Uncertain significance (1 of 4 stars; one submission).

Conditions:
Progressive myoclonic epilepsy type 5. Identifiers: Orphanet 402082, MedGen C5190799.

Submission:

Labcorp Genetics (formerly Invitae), Labcorp
Classification: Uncertain significance for Progressive myoclonic epilepsy type 5. Last evaluated: 2022-04-23. Review status: criteria provided, single submitter. Criteria: Invitae Variant Classification Sherloc (09022015). Collection method: clinical testing. Allele origin: germline.
Comment: In summary, the available evidence is currently insufficient to determine the role of this variant in disease. Therefore, it has been classified as a Variant of Uncertain Significance. Algorithms developed to predict the effect of missense changes on protein structure and function (SIFT, PolyPhen-2, Align-GVGD) all suggest that this variant is likely to be tolerated. This variant has not been reported in the literature in individuals affected with PRICKLE2-related conditions. This variant is not present in population databases (gnomAD no frequency). This sequence change replaces isoleucine, which is neutral and non-polar, with methionine, which is neutral and non-polar, at codon 13 of the PRICKLE2 protein (p.Ile13Met).